The following is an entry in ClinVar:

NM_015425.6(POLR1A):c.4545_4547dup (p.Tyr1515_Gln1516insHis)

Gene: POLR1A (RNA polymerase I subunit A; minus strand). Cytogenetic location: 2p11.2.
Variant type: Duplication.
Coding change: c.4545_4547dup on transcript NM_015425.6 (MANE Select); coding-DNA positions 4545 to 4547, 3 bases duplicated (CCA; older notation c.4545_4547dupCCA).
Protein change: p.Tyr1515_Gln1516insHis.
Genome position (GRCh38, 1-based): chr2:86,031,361-86,031,363, TGG duplicated on the plus strand (CCA on the coding strand, the reverse complement: POLR1A is on the minus strand); duplicating any 3 consecutive bases within chr2:86,031,361-86,031,364 gives the same sequence; the c. name uses the placement nearest the transcript's 3' end. VCF-style (leftmost placement, unchanged base first): chr2-86031360-C-CTGG. GRCh37 (hg19) VCF-style: chr2-86258483-C-CTGG.
Identifiers: ClinVar variation 3657654 (VCV003657654.2).
Genomic context (GRCh38, chr2:86,031,360, plus strand): 5'-CCAAGCCCTGGCCTGCACGGCCACACTGACCTGGCACCACAGGCTCTCCTCGGTGTCGTA[C>CTGG]TGGTAGTCATCTATGAACGGGTGGATCTCACGCACAGCCTGGACCCGGCGCTCCATGGCC-3'

ClinVar aggregate classification (germline): Uncertain significance (1 of 4 stars; one submission).

Submission:

Labcorp Genetics (formerly Invitae), Labcorp
Classification: Uncertain significance. Last evaluated: 2024-06-30. Review status: criteria provided, single submitter. Criteria: Invitae Variant Classification Sherloc (09022015). Collection method: clinical testing. Allele origin: germline.
Comment: This variant, c.4545_4547dup, results in the insertion of 1 amino acid(s) of the POLR1A protein (p.Tyr1515_Gln1516insHis), but otherwise preserves the integrity of the reading frame. This variant is not present in population databases (gnomAD no frequency). This variant has not been reported in the literature in individuals affected with POLR1A-related conditions. In summary, the available evidence is currently insufficient to determine the role of this variant in disease. Therefore, it has been classified as a Variant of Uncertain Significance.